The following is an entry in ClinVar:

NM_000138.5(FBN1):c.437G>A (p.Gly146Glu)

Gene: FBN1 (fibrillin 1; minus strand). Cytogenetic location: 15q21.1.
Variant type: single nucleotide variant.
Coding change: c.437G>A on transcript NM_000138.5 (MANE Select); coding-DNA position 437, G replaced by A.
Protein change: p.Gly146Glu; replaces glycine 146 with glutamic acid.
Molecular consequence: missense variant.
Genome position (GRCh38, 1-based): chr15:48,600,144, C>T on the plus strand (G>A on the coding strand, the complement: FBN1 is on the minus strand). VCF-style: chr15-48600144-C-T. GRCh37 (hg19) VCF-style: chr15-48892341-C-T.
Other names: c.437G>A, p.Gly146Glu (NM_001406716.1, NM_001406717.1); short protein forms G146E.
Identifiers: ClinVar variation 3070917 (VCV003070917.3), dbSNP rs2505760930, ClinGen allele CA392446441.

ClinVar aggregate classification (germline): Uncertain significance. Review status: criteria provided, multiple submitters, no conflicts (2 of 4 stars). 2 submissions from 2 submitters: Uncertain significance (2). Last evaluated 2024-05-09.

Conditions:
Marfan syndrome (MFS). Also called: MARFAN SYNDROME, TYPE I; Marfan syndrome type 1; Marfan's syndrome; Marfan syndrome, classic; FBN1-Related Marfan Syndrome. Identifiers: Orphanet 284963, Orphanet 558, MedGen C0024796, MONDO:0007947, OMIM 154700.
Familial thoracic aortic aneurysm and aortic dissection (TAAD). Also called: Thoracic aortic aneurysms and dissections. Identifiers: Orphanet 91387, MedGen C4707243, MONDO:0019625.

Allele frequency attached by ClinVar (database versions not stated): gnomAD exomes below 0.00001.
gnomAD v4.1: 1 of 1,607,074 alleles (0.000062%); highest among the groups gnomAD compares: East Asian, 0.0022%; no homozygotes.

Submissions (2):

Labcorp Genetics (formerly Invitae), Labcorp
Classification: Uncertain significance for Marfan syndrome; Familial thoracic aortic aneurysm and aortic dissection. Last evaluated: 2024-05-09. Review status: criteria provided, single submitter. Criteria: Invitae Variant Classification Sherloc (09022015). Collection method: clinical testing. Allele origin: germline.
Comment: This sequence change replaces glycine, which is neutral and non-polar, with glutamic acid, which is acidic and polar, at codon 146 of the FBN1 protein (p.Gly146Glu). This variant is not present in population databases (gnomAD no frequency). This variant has not been reported in the literature in individuals affected with FBN1-related conditions. Advanced modeling of protein sequence and biophysical properties (such as structural, functional, and spatial information, amino acid conservation, physicochemical variation, residue mobility, and thermodynamic stability) has been performed at Invitae for this missense variant, however the output from this modeling did not meet the statistical confidence thresholds required to predict the impact of this variant on FBN1 protein function. In summary, the available evidence is currently insufficient to determine the role of this variant in disease. Therefore, it has been classified as a Variant of Uncertain Significance.

All of Us Research Program, National Institutes of Health
Classification: Uncertain significance for Marfan syndrome. Last evaluated: 2023-05-08. Review status: criteria provided, single submitter. Criteria: ACMG Guidelines, 2015. Collection method: clinical testing. Allele origin: germline. Inheritance: Autosomal dominant inheritance. Observed: 1 variant allele, 1 heterozygote.
Comment: This study involves interpretation of variants in research participants for the purpose of population health screening. Participant phenotype was not available at the time of variant classification. Additional details can be found in publication PMID: 35346344, PMCID: PMC8962531